The following is an entry in ClinVar:

ClinVar aggregate classification (germline): Pathogenic (1 of 4 stars; one submission).

Submission:

GeneDx
Classification: Pathogenic. Last evaluated: 2026-06-03. Review status: criteria provided, single submitter. Criteria: GeneDx Variant Classification Process June 2021. Collection method: clinical testing. Allele origin: germline.
Comment: Nonsense variant predicted to result in protein truncation or nonsense mediated decay in a gene for which loss of function is a known mechanism of disease; Not observed at significant frequency in large population cohorts (gnomAD); Has not been previously published as pathogenic or benign to our knowledge

NM_017780.4(CHD7):c.4336G>T (p.Glu1446Ter)

Gene: CHD7 (chromodomain helicase DNA binding protein 7; plus strand). Cytogenetic location: 8q12.2.
Variant type: single nucleotide variant.
Coding change: c.4336G>T on transcript NM_017780.4 (MANE Select); coding-DNA position 4336, G replaced by T.
Protein change: p.Glu1446Ter; replaces glutamic acid 1446 with a stop codon.
Molecular consequence: nonsense. On other transcripts: intron variant (1).
Genome position (GRCh38, 1-based): chr8:60,837,818, G>T. VCF-style: chr8-60837818-G-T. GRCh37 (hg19) VCF-style: chr8-61750377-G-T.
Other names: c.1717-24411G>T (NM_001316690.1); short protein forms E1446*.
Identifiers: ClinVar variation 2502688 (VCV002502688.2), dbSNP rs2487911373, ClinGen allele CA371317988.